The following is an entry in ClinVar:

NM_006231.4(POLE):c.332G>A (p.Gly111Asp)

Gene: POLE (DNA polymerase epsilon, catalytic subunit; minus strand). Cytogenetic location: 12q24.33.
Variant type: single nucleotide variant.
Coding change: c.332G>A on transcript NM_006231.4 (MANE Select); coding-DNA position 332, G replaced by A.
Protein change: p.Gly111Asp; replaces glycine 111 with aspartic acid.
Molecular consequence: missense variant.
Genome position (GRCh38, 1-based): chr12:132,680,045, C>T on the plus strand (G>A on the coding strand, the complement: POLE is on the minus strand). VCF-style: chr12-132680045-C-T. GRCh37 (hg19) VCF-style: chr12-133256631-C-T.
Other names: short protein forms G111D.
Identifiers: ClinVar variation 4717175 (VCV004717175.1).

ClinVar aggregate classification (germline): Uncertain significance (1 of 4 stars; one submission).

Submission:

Labcorp Genetics (formerly Invitae), Labcorp
Classification: Uncertain significance. Last evaluated: 2025-07-22. Review status: criteria provided, single submitter. Criteria: Invitae Variant Classification Sherloc (09022015). Collection method: clinical testing. Allele origin: germline.
Comment: This sequence change replaces glycine, which is neutral and non-polar, with aspartic acid, which is acidic and polar, at codon 111 of the POLE protein (p.Gly111Asp). This variant is not present in population databases (gnomAD no frequency). This variant has not been reported in the literature in individuals affected with POLE-related conditions. An algorithm developed to predict the effect of missense changes on protein structure and function (PolyPhen-2) suggests that this variant is likely to be tolerated. In summary, the available evidence is currently insufficient to determine the role of this variant in disease. Therefore, it has been classified as a Variant of Uncertain Significance.